The following is an entry in ClinVar:

ClinVar aggregate classification (germline): Likely benign (0 of 4 stars; one submission).

Conditions:
CHD7-related disorder. Also called: CHD7-related condition.

Submission:

PreventionGenetics, part of Exact Sciences
Classification: Likely benign for CHD7-related condition. Last evaluated: 2023-08-18. Review status: no assertion criteria provided. Collection method: clinical testing. Allele origin: germline.
Comment: This variant is classified as likely benign based on ACMG/AMP sequence variant interpretation guidelines (Richards et al. 2015 PMID: 25741868, with internal and published modifications).

NM_017780.4(CHD7):c.5313G>A (p.Val1771=)

Gene: CHD7 (chromodomain helicase DNA binding protein 7; plus strand). Cytogenetic location: 8q12.2.
Variant type: single nucleotide variant.
Coding change: c.5313G>A on transcript NM_017780.4 (MANE Select); coding-DNA position 5313, G replaced by A.
Protein change: p.Val1771=; no amino-acid change (valine 1771 retained).
Molecular consequence: synonymous variant. On other transcripts: intron variant (1).
Genome position (GRCh38, 1-based): chr8:60,849,063, G>A. VCF-style: chr8-60849063-G-A. GRCh37 (hg19) VCF-style: chr8-61761622-G-A.
Other names: c.1717-13166G>A (NM_001316690.1).
Identifiers: ClinVar variation 3044848 (VCV003044848.2), dbSNP rs2488003409, ClinGen allele CA460848432.